The following is an entry in ClinVar:

NM_016284.5(CNOT1):c.3639+5G>A

Gene: CNOT1 (CCR4-NOT transcription complex subunit 1; minus strand). Cytogenetic location: 16q21.
Variant type: single nucleotide variant.
Coding change: c.3639+5G>A on transcript NM_016284.5 (MANE Select); 5 bases into the intron after coding-DNA position 3639, G replaced by A.
Molecular consequence: intron variant.
Genome position (GRCh38, 1-based): chr16:58,547,561, C>T on the plus strand (G>A on the coding strand, the complement: CNOT1 is on the minus strand). VCF-style: chr16-58547561-C-T. GRCh37 (hg19) VCF-style: chr16-58581465-C-T.
Other names: c.3624+5G>A (NM_001265612.2); c.3639+5G>A (NM_206999.3).
Identifiers: ClinVar variation 3368226 (VCV003368226.2).
Genomic context (GRCh38, chr16:58,547,561, plus strand): 5'-AGCCAATACTTGTAATCATAATGTGCTGAAGATTCTCAATTTTTACACATTTAGATGAAA[C>T]TCACAGTGTGTAAGATGGGTTTGTTTTTAGCTAATGTGATCATTCCTAGCCAATGTCCCA-3'

ClinVar aggregate classification (germline): Uncertain significance (1 of 4 stars; one submission).

Submission:

GeneDx
Classification: Uncertain significance. Last evaluated: 2025-02-03. Review status: criteria provided, single submitter. Criteria: GeneDx Variant Classification Process June 2021. Collection method: clinical testing. Allele origin: germline.
Comment: Not observed at significant frequency in large population cohorts (gnomAD); Intronic +5 splice site variant in a gene for which loss of function is a known mechanism of disease, and both splice predictors and evolutionary conservation support a deleterious effect, although in the absence of functional evidence the actual effect of this sequence change is unknown; Has not been previously published as pathogenic or benign to our knowledge